The following is an entry in ClinVar:

ClinVar aggregate classification (germline): Likely benign (1 of 4 stars; one submission).

Allele frequency attached by ClinVar (database versions not stated): TOPMed 0.00002; 1000 Genomes Project 0.00040; 1000 Genomes Project 30x 0.00031; gnomAD 0.00004.
gnomAD v4.1: 6 of 152,148 alleles (0.0039%); highest among the groups gnomAD compares: East Asian, 0.12%; no homozygotes.

Submission:

CeGaT Center for Human Genetics Tuebingen
Classification: Likely benign. Last evaluated: 2022-08-01. Review status: criteria provided, single submitter. Criteria: CeGaT Center For Human Genetics Tuebingen Variant Classification Criteria Version 2. Collection method: clinical testing. Allele origin: germline. Affected: yes. Observed: 1 variant allele.
Comment: CYFIP1: BP4, BP7

NM_001324120.2(CYFIP1):c.-238G>A

Gene: CYFIP1 (cytoplasmic FMR1 interacting protein 1; minus strand). Cytogenetic location: 15q11.2.
Variant type: single nucleotide variant.
Coding change: c.-238G>A on transcript NM_001324120.2; 238 bases upstream of the start codon, G replaced by A.
Molecular consequence: 5 prime UTR variant. On other transcripts: synonymous variant (1).
Genome position (GRCh38, 1-based): chr15:22,980,799, C>T on the plus strand (G>A on the coding strand, the complement: CYFIP1 is on the minus strand). VCF-style: chr15-22980799-C-T. GRCh37 (hg19) VCF-style: chr15-22892269-G-A.
Other names: c.93G>A, p.Ala31= (NM_001324119.2).
Identifiers: ClinVar variation 2644943 (VCV002644943.22), dbSNP rs535720807, ClinGen allele CA267590873.